The following is an entry in ClinVar:

ClinVar aggregate classification (germline): Uncertain significance. Review status: criteria provided, multiple submitters, no conflicts (2 of 4 stars). 2 submissions from 2 submitters: Uncertain significance (2). Last evaluated 2024-10-23.

Conditions:
Hereditary cancer-predisposing syndrome. Also called: Tumor predisposition; Neoplastic Syndromes, Hereditary; Hereditary neoplastic syndrome; Hereditary Cancer Syndrome. Identifiers: Orphanet 140162, MedGen C0027672, MeSH D009386, MONDO:0015356.
Neuroblastoma, susceptibility to, 3. Also called: ALK-Related Neuroblastic Tumor Susceptibility. Identifiers: Orphanet 635, MedGen C2751681, MONDO:0013083, OMIM 613014.

Submissions (2):

Labcorp Genetics (formerly Invitae), Labcorp
Classification: Uncertain significance for Neuroblastoma, susceptibility to, 3. Last evaluated: 2024-10-23. Review status: criteria provided, single submitter. Criteria: Invitae Variant Classification Sherloc (09022015). Collection method: clinical testing. Allele origin: germline.
Comment: This sequence change replaces methionine, which is neutral and non-polar, with valine, which is neutral and non-polar, at codon 1089 of the ALK protein (p.Met1089Val). This variant is not present in population databases (gnomAD no frequency). This variant has not been reported in the literature in individuals affected with ALK-related conditions. ClinVar contains an entry for this variant (Variation ID: 2090281). An algorithm developed to predict the effect of missense changes on protein structure and function (PolyPhen-2) suggests that this variant is likely to be tolerated. In summary, the available evidence is currently insufficient to determine the role of this variant in disease. Therefore, it has been classified as a Variant of Uncertain Significance.

Ambry Genetics
Classification: Uncertain significance for Hereditary cancer-predisposing syndrome. Last evaluated: 2022-12-16. Review status: criteria provided, single submitter. Criteria: Ambry Variant Classification Scheme 2023. Collection method: clinical testing. Allele origin: germline.
Comment: The p.M1089V variant (also known as c.3265A>G), located in coding exon 20 of the ALK gene, results from an A to G substitution at nucleotide position 3265. The methionine at codon 1089 is replaced by valine, an amino acid with highly similar properties. This amino acid position is conserved. In addition, the in silico prediction for this alteration is inconclusive. Since supporting evidence is limited at this time, the clinical significance of this alteration remains unclear.

NM_004304.5(ALK):c.3265A>G (p.Met1089Val)

Gene: ALK (ALK receptor tyrosine kinase; minus strand). Cytogenetic location: 2p23.2.
Variant type: single nucleotide variant.
Coding change: c.3265A>G on transcript NM_004304.5 (MANE Select); coding-DNA position 3265, A replaced by G.
Protein change: p.Met1089Val; replaces methionine 1089 with valine.
Molecular consequence: missense variant.
Genome position (GRCh38, 1-based): chr2:29,223,436, T>C on the plus strand (A>G on the coding strand, the complement: ALK is on the minus strand). VCF-style: chr2-29223436-T-C. GRCh37 (hg19) VCF-style: chr2-29446302-T-C.
Other names: c.61A>G, p.Met21Val (NM_001353765.2); c.3265A>G (NM_004304.4); short protein forms M1089V, M21V.
Identifiers: ClinVar variation 2090281 (VCV002090281.6), dbSNP rs2148170938, ClinGen allele CA346465073.
Genomic context (GRCh38, chr2:29,223,436, plus strand): 5'-TCAGGTCACTGATGGAGGAGGTCTTGCCAGCAAAGCAGTAGTTGGGGTTGTAGTCGGTCA[T>C]GATGGTCGAGGTGCGGAGCTTGCTCAGCTTGTACTCAGGGCTCTGCAGCTCCATCTGCAT-3'
Protein context (NP_004295.2, residues 1079-1099): KLSKLRTSTI[Met1089Val]TDYNPNYCFA